The following is an entry in ClinVar:

ClinVar aggregate classification (germline): Likely pathogenic. Review status: criteria provided, multiple submitters, no conflicts (2 of 4 stars). 3 submissions from 3 submitters: Likely pathogenic (3). Last evaluated 2023-04-19.

Conditions:
Hereditary cancer-predisposing syndrome. Also called: Neoplastic Syndromes, Hereditary; Tumor predisposition; Hereditary Cancer Syndrome; Hereditary neoplastic syndrome. Identifiers: Orphanet 140162, MedGen C0027672, MeSH D009386, MONDO:0015356.
Nijmegen breakage syndrome-like disorder (NBSLD). Also called: MICROCEPHALY AND SPONTANEOUS CHROMOSOME INSTABILITY WITHOUT IMMUNODEFICIENCY; NBS-LIKE DISORDER; RAD50 DEFICIENCY. Identifiers: Orphanet 240760, MedGen C2751318, MONDO:0013118, OMIM 613078.

Allele frequency attached by ClinVar (database versions not stated): gnomAD exomes below 0.00001.
gnomAD v4.1: 1 of 1,613,182 alleles (0.000062%); highest among the groups gnomAD compares: Non-Finnish European, 0.000085%; no homozygotes.

Submissions (3):

Labcorp Genetics (formerly Invitae), Labcorp
Classification: Likely pathogenic for Hereditary cancer-predisposing syndrome. Last evaluated: 2023-04-19. Review status: criteria provided, single submitter. Criteria: Invitae Variant Classification Sherloc (09022015). Collection method: clinical testing. Allele origin: germline.
Comment: In summary, the currently available evidence indicates that the variant is pathogenic, but additional data are needed to prove that conclusively. Therefore, this variant has been classified as Likely Pathogenic. This variant disrupts the ATPase-C domain, which is important for RAD50 ATPase activity (PMID: 10892749, 24894818). While functional studies have not been performed to directly test the effect of this variant on RAD50 protein function, this suggests that disruption of this region of the protein is causative of disease. Variants that disrupt the consensus splice site are a relatively common cause of aberrant splicing (PMID: 17576681, 9536098). Studies have shown that disruption of this splice site results in skipping of exon 25 and introduces a new termination codon (Invitae). However the mRNA is not expected to undergo nonsense-mediated decay. ClinVar contains an entry for this variant (Variation ID: 457468). This variant has not been reported in the literature in individuals affected with RAD50-related conditions. This variant is not present in population databases (gnomAD no frequency). This sequence change affects an acceptor splice site in intron 24 of the RAD50 gene. RNA analysis indicates that disruption of this splice site induces altered splicing and likely disrupts the C-terminus of the protein.

Baylor Genetics
Classification: Likely pathogenic for Nijmegen breakage syndrome-like disorder. Last evaluated: 2022-02-28. Review status: criteria provided, single submitter. Criteria: ACMG Guidelines, 2015. Collection method: clinical testing. Allele origin: unknown.

Ambry Genetics
Classification: Likely pathogenic for Hereditary cancer-predisposing syndrome. Last evaluated: 2018-07-13. Review status: criteria provided, single submitter. Criteria: Ambry Variant Classification Scheme 2023. Collection method: clinical testing. Allele origin: germline.
Comment: The c.3753-1G>A intronic variant results from a G to A substitution one nucleotide upstream from coding exon 25 of the RAD50 gene. This nucleotide position is highly conserved in available vertebrate species. Using the BDGP and ESEfinder splice site prediction tools, this alteration is predicted to abolish the native splice acceptor site; however, direct evidence is unavailable. Alterations that disrupt the canonical splice site are expected to cause aberrant splicing, resulting in an abnormal protein. As such, this alteration is classified as likely pathogenic.

Literature cited by the submitters: PubMed 10892749 (cited by Labcorp Genetics (formerly Invitae), Labcorp); PubMed 24894818 (cited by Labcorp Genetics (formerly Invitae), Labcorp); PubMed 17576681 (cited by Labcorp Genetics (formerly Invitae), Labcorp); PubMed 9536098 (cited by Labcorp Genetics (formerly Invitae), Labcorp).

NM_005732.4(RAD50):c.3753-1G>A

Genes: TH2LCRR (T helper type 2 locus control region associated RNA; minus strand), RAD50 (RAD50 double strand break repair protein; plus strand), TH2-LCR (Th2 cytokine locus control region; plus strand). Cytogenetic location: 5q31.1.
Variant type: single nucleotide variant.
Coding change: c.3753-1G>A on transcript NM_005732.4 (MANE Select); the canonical splice acceptor site of the intron before coding-DNA position 3753, G replaced by A.
Molecular consequence: splice acceptor variant.
Genome position (GRCh38, 1-based): chr5:132,642,177, G>A. VCF-style: chr5-132642177-G-A. GRCh37 (hg19) VCF-style: chr5-131977869-G-A.
Identifiers: ClinVar variation 457468 (VCV000457468.12), dbSNP rs1554101314, ClinGen allele CA360935465.